The following is an entry in ClinVar:

ClinVar aggregate classification (germline): Conflicting classifications of pathogenicity. Review status: criteria provided, conflicting classifications (1 of 4 stars). 3 submissions from 3 submitters: Uncertain significance (2); Likely benign (1). Last evaluated 2024-10-24.

Conditions:
Primary ciliary dyskinesia. Also called: Ciliary dyskinesia. Identifiers: Orphanet 244, MedGen C0008780, MONDO:0016575, HP:0012265.
Primary ciliary dyskinesia 20. Also called: CILIARY DYSKINESIA, PRIMARY, 20, WITH OR WITHOUT SITUS INVERSUS. Identifiers: Orphanet 244, MedGen C3540844, MONDO:0014030, OMIM 615067.

Allele frequency attached by ClinVar (database versions not stated): gnomAD exomes 0.00007 and 0.00011; ExAC 0.00009; gnomAD 0.00009 and 0.00011; TOPMed 0.00010; ESP Exome Variant Server 0.00015.

Submissions (3):

Labcorp Genetics (formerly Invitae), Labcorp
Classification: Uncertain significance for Primary ciliary dyskinesia. Last evaluated: 2024-10-24. Review status: criteria provided, single submitter. Criteria: Invitae Variant Classification Sherloc (09022015). Collection method: clinical testing. Allele origin: germline.
Comment: This sequence change replaces arginine, which is basic and polar, with cysteine, which is neutral and slightly polar, at codon 363 of the CCDC114 protein (p.Arg363Cys). This variant is present in population databases (rs149354918, gnomAD 0.1%). This variant has not been reported in the literature in individuals affected with CCDC114-related conditions. ClinVar contains an entry for this variant (Variation ID: 525427). An algorithm developed to predict the effect of missense changes on protein structure and function (PolyPhen-2) suggests that this variant¬†is likely to be tolerated. In summary, the available evidence is currently insufficient to determine the role of this variant in disease. Therefore, it has been classified as a Variant of Uncertain Significance.

Ambry Genetics
Classification: Likely benign for Primary ciliary dyskinesia. Last evaluated: 2023-02-07. Review status: criteria provided, single submitter. Criteria: Ambry Variant Classification Scheme 2023. Collection method: clinical testing. Allele origin: germline.

Fulgent Genetics
Classification: Uncertain significance for Primary ciliary dyskinesia 20. Last evaluated: 2018-10-31. Review status: criteria provided, single submitter. Criteria: ACMG Guidelines, 2015. Collection method: clinical testing. Allele origin: unknown.

NM_001364171.2(ODAD1):c.1198C>T (p.Arg400Cys)

Gene: ODAD1 (outer dynein arm docking complex subunit 1; minus strand). Cytogenetic location: 19q13.33.
Variant type: single nucleotide variant.
Coding change: c.1198C>T on transcript NM_001364171.2 (MANE Select); coding-DNA position 1198, C replaced by T.
Protein change: p.Arg400Cys; replaces arginine 400 with cysteine.
Molecular consequence: missense variant.
Genome position (GRCh38, 1-based): chr19:48,302,736, G>A on the plus strand (C>T on the coding strand, the complement: ODAD1 is on the minus strand). VCF-style: chr19-48302736-G-A. GRCh37 (hg19) VCF-style: chr19-48805993-G-A.
Other names: c.1087C>T, p.Arg363Cys (NM_144577.4); short protein forms R363C, R400C.
Identifiers: ClinVar variation 525427 (VCV000525427.7), dbSNP rs149354918, ClinGen allele CA9548784.